The following is an entry in ClinVar:

NM_002291.3(LAMB1):c.1447C>T (p.Arg483Cys)

Gene: LAMB1 (laminin subunit beta 1; minus strand). Cytogenetic location: 7q31.1.
Variant type: single nucleotide variant.
Coding change: c.1447C>T on transcript NM_002291.3 (MANE Select); coding-DNA position 1447, C replaced by T.
Protein change: p.Arg483Cys; replaces arginine 483 with cysteine.
Molecular consequence: missense variant.
Genome position (GRCh38, 1-based): chr7:107,975,021, G>A on the plus strand (C>T on the coding strand, the complement: LAMB1 is on the minus strand). VCF-style: chr7-107975021-G-A. GRCh37 (hg19) VCF-style: chr7-107615466-G-A.
Other names: short protein forms R483C.
Identifiers: ClinVar variation 716744 (VCV000716744.17), dbSNP rs139568495, ClinGen allele CA4436024.

ClinVar aggregate classification (germline): Conflicting classifications of pathogenicity. Review status: criteria provided, conflicting classifications (1 of 4 stars). 3 submissions from 3 submitters: Uncertain significance (1); Likely benign (2). Last evaluated 2026-05-13.

Conditions:
LAMB1-related disorder. Also called: LAMB1-related condition.

Allele frequency attached by ClinVar (database versions not stated): ESP Exome Variant Server 0.00008; gnomAD 0.00015 and 0.00020; TOPMed 0.00018; gnomAD exomes 0.00020 and 0.00029; ExAC 0.00027; 1000 Genomes Project 30x 0.00078; 1000 Genomes Project 0.00100.
gnomAD v4.1: 372 of 1,611,196 alleles (0.023%); highest among the groups gnomAD compares: East Asian, 0.66%; 1 homozygote.

Submissions (3):

PreventionGenetics, part of Exact Sciences
Classification: Likely benign for LAMB1-related condition. Last evaluated: 2026-05-13. Review status: criteria provided, single submitter. Criteria: ACMG Guidelines, 2015. Collection method: clinical testing. Allele origin: germline.
Comment: This variant is classified as likely benign based on ACMG/AMP sequence variant interpretation guidelines (Richards et al. 2015 PMID: 25741868, with internal and published modifications).

Labcorp Genetics (formerly Invitae), Labcorp
Classification: Likely benign. Last evaluated: 2026-01-09. Review status: criteria provided, single submitter. Criteria: Invitae Variant Classification Sherloc (09022015). Collection method: clinical testing. Allele origin: germline.

GeneDx
Classification: Uncertain significance. Last evaluated: 2022-02-11. Review status: criteria provided, single submitter. Criteria: GeneDx Variant Classification Process June 2021. Collection method: clinical testing. Allele origin: germline. Affected: yes.
Comment: In silico analysis supports that this missense variant has a deleterious effect on protein structure/function; Has not been previously published as pathogenic or benign to our knowledge; This variant is associated with the following publications: (PMID: 27535533)